The following is an entry in ClinVar:

NM_000478.6(ALPL):c.449T>A (p.Ile150Asn)

Gene: ALPL (alkaline phosphatase, biomineralization associated; plus strand). Cytogenetic location: 1p36.12.
Variant type: single nucleotide variant.
Coding change: c.449T>A on transcript NM_000478.6 (MANE Select); coding-DNA position 449, T replaced by A.
Protein change: p.Ile150Asn; replaces isoleucine 150 with asparagine.
Molecular consequence: missense variant.
Genome position (GRCh38, 1-based): chr1:21,563,261, T>A. VCF-style: chr1-21563261-T-A. GRCh37 (hg19) VCF-style: chr1-21889754-T-A.
Other names: c.284T>A, p.Ile95Asn (NM_001127501.4); c.218T>A, p.Ile73Asn (NM_001177520.3); c.449T>A, p.Ile150Asn (NM_001369803.2, NM_001369804.2, NM_001369805.2); short protein forms I150N, I73N, I95N.
Identifiers: ClinVar variation 434138 (VCV000434138.8), dbSNP rs1553412351, ClinGen allele CA338877356.

ClinVar aggregate classification (germline): Conflicting classifications of pathogenicity. Review status: criteria provided, conflicting classifications (1 of 4 stars). 3 submissions from 3 submitters: Likely pathogenic (1); Uncertain significance (2). Last evaluated 2026-09-01.

Conditions:
Hypophosphatasia. Also called: Phosphoethanol-aminuria. Identifiers: Orphanet 436, MedGen C0020630, MeSH D007014, MONDO:0018570.

Allele frequency attached by ClinVar (database versions not stated): gnomAD exomes below 0.00001.
gnomAD v4.1: 1 of 1,613,024 alleles (0.000062%); highest among the groups gnomAD compares: Non-Finnish European, 0.000085%; no homozygotes.

Submissions (3):

Genomenon, Inc
Classification: Likely pathogenic for Hypophosphatasia. Last evaluated: 2026-09-01. Review status: criteria provided, single submitter. Criteria: Genomenon Sequence Variant Interpretation Standards - Updated. Collection method: curation. Allele origin: germline. Affected: no.
Comment: ALPL p.Ile150Asn (c.449T>A) is a missense variant that changes the amino acid at codon 150 from Isoleucine to Asparagine. To our knowledge, this variant has not been reported in patients affected with an ALPL-related disorder in the published literature. At least one functional study has demonstrated a substantial alteration in protein function relative to the wild-type (PMID:32160374). It is absent or not present at a significant frequency in gnomAD. In silico models predict that this variant is possibly or probably damaging. In conclusion, we classify ALPL p.Ile150Asn (c.449T>A) as a likely pathogenic variant.

Labcorp Genetics (formerly Invitae), Labcorp
Classification: Uncertain significance. Last evaluated: 2025-07-20. Review status: criteria provided, single submitter. Criteria: Invitae Variant Classification Sherloc (09022015). Collection method: clinical testing. Allele origin: germline.
Comment: This sequence change replaces isoleucine, which is neutral and non-polar, with asparagine, which is neutral and polar, at codon 150 of the ALPL protein (p.Ile150Asn). This variant is not present in population databases (gnomAD no frequency). This variant has not been reported in the literature in individuals affected with ALPL-related conditions. ClinVar contains an entry for this variant (Variation ID: 434138). Invitae Evidence Modeling of protein sequence and biophysical properties (such as structural, functional, and spatial information, amino acid conservation, physicochemical variation, residue mobility, and thermodynamic stability) indicates that this missense variant is expected to disrupt ALPL protein function with a positive predictive value of 95%. Experimental studies have shown that this missense change affects ALPL function (PMID: 32160374). In summary, the available evidence is currently insufficient to determine the role of this variant in disease. Therefore, it has been classified as a Variant of Uncertain Significance.

Genetic Services Laboratory, University of Chicago
Classification: Uncertain significance. Last evaluated: 2016-11-07. Review status: criteria provided, single submitter. Criteria: ACMG Guidelines, 2015. Collection method: clinical testing. Allele origin: germline. Affected: no.

Literature cited by the submitters: PubMed 32160374 (cited by Genomenon, Inc and Labcorp Genetics (formerly Invitae), Labcorp).